The following is an entry in ClinVar:

NM_000542.5(SFTPB):c.225C>T (p.Ile75=)

Gene: SFTPB (surfactant protein B; minus strand). Cytogenetic location: 2p11.2.
Variant type: single nucleotide variant.
Coding change: c.225C>T on transcript NM_000542.5 (MANE Select); coding-DNA position 225, C replaced by T.
Protein change: p.Ile75=; no amino-acid change (isoleucine 75 retained).
Molecular consequence: synonymous variant.
Genome position (GRCh38, 1-based): chr2:85,667,148, G>A on the plus strand (C>T on the coding strand, the complement: SFTPB is on the minus strand). VCF-style: chr2-85667148-G-A. GRCh37 (hg19) VCF-style: chr2-85894271-G-A.
Other names: c.225C>T, p.Ile75= (NM_001367281.2, NM_198843.4).
Identifiers: ClinVar variation 896680 (VCV000896680.6), dbSNP rs145895555, ClinGen allele CA1744133.

ClinVar aggregate classification (germline): Conflicting classifications of pathogenicity. Review status: criteria provided, conflicting classifications (1 of 4 stars). 3 submissions from 3 submitters: Uncertain significance (1); Likely benign (2). Last evaluated 2026-09-01.

Conditions:
Hereditary pulmonary alveolar proteinosis. Also called: Pulmonary surfactant metabolism dysfunction. Identifiers: Orphanet 264675, MedGen C3711368, MONDO:0012580.
Surfactant metabolism dysfunction, pulmonary, 1. Also called: INTERSTITIAL LUNG DISEASE DUE TO SURFACTANT PROTEIN B DEFICIENCY; INTERSTITIAL LUNG DISEASE, NONSPECIFIC, DUE TO SURFACTANT PROTEIN B DEFICIENCY; PULMONARY ALVEOLAR PROTEINOSIS, CONGENITAL, 1; Pulmonary surfactant protein B, deficiency of; Neonatal acute respiratory distress due to SP-B deficiency. Identifiers: Orphanet 217563, MedGen C1968602, MONDO:0009929, OMIM 265120.

Allele frequency attached by ClinVar (database versions not stated): ExAC 0.00003; gnomAD exomes 0.00007 and 0.00012; gnomAD 0.00011 and 0.00012; TOPMed 0.00012; ESP Exome Variant Server 0.00023.
gnomAD v4.1: 192 of 1,613,762 alleles (0.012%); highest among the groups gnomAD compares: Non-Finnish European, 0.014%; no homozygotes.

Submissions (3):

CeGaT Center for Human Genetics Tuebingen
Classification: Likely benign. Last evaluated: 2026-09-01. Review status: criteria provided, single submitter. Criteria: CeGaT Center For Human Genetics Tuebingen Variant Classification Criteria Version 2. Collection method: clinical testing. Allele origin: germline. Affected: yes. Observed: 1 variant allele.
Comment: SFTPB: BP4, BP7

Ambry Genetics
Classification: Likely benign for Hereditary pulmonary alveolar proteinosis. Last evaluated: 2023-10-23. Review status: criteria provided, single submitter. Criteria: Ambry Variant Classification Scheme 2023. Collection method: clinical testing. Allele origin: germline.

Illumina Laboratory Services, Illumina
Classification: Uncertain significance for Surfactant metabolism dysfunction, pulmonary, 1. Last evaluated: 2018-01-12. Review status: criteria provided, single submitter. Criteria: ICSL Variant Classification Criteria 13 December 2019. Collection method: clinical testing. Allele origin: germline.